The following is an entry in ClinVar:

ClinVar aggregate classification (germline): Likely benign (1 of 4 stars; one submission).

Submission:

CeGaT Center for Human Genetics Tuebingen
Classification: Likely benign. Last evaluated: 2026-05-01. Review status: criteria provided, single submitter. Criteria: CeGaT Center For Human Genetics Tuebingen Variant Classification Criteria Version 2. Collection method: clinical testing. Allele origin: germline. Affected: yes. Observed: 2 variant alleles.
Comment: EZH1: PM2:Supporting, BP4, BP7

NM_001991.5(EZH1):c.1134T>A (p.Ser378=)

Gene: EZH1 (enhancer of zeste 1 polycomb repressive complex 2 subunit; minus strand). Cytogenetic location: 17q21.2.
Variant type: single nucleotide variant.
Coding change: c.1134T>A on transcript NM_001991.5 (MANE Select); coding-DNA position 1134, T replaced by A.
Protein change: p.Ser378=; no amino-acid change (serine 378 retained).
Molecular consequence: synonymous variant.
Genome position (GRCh38, 1-based): chr17:42,713,279, A>T on the plus strand (T>A on the coding strand, the complement: EZH1 is on the minus strand). VCF-style: chr17-42713279-A-T. GRCh37 (hg19) VCF-style: chr17-40865297-A-T.
Other names: c.1152T>A, p.Ser384= (NM_001321079.2); c.1107T>A, p.Ser369= (NM_001321081.2); c.1014T>A, p.Ser338= (NM_001321082.2).
Identifiers: ClinVar variation 4872891 (VCV004872891.2).